The following is an entry in ClinVar:

ClinVar aggregate classification (germline): Uncertain significance. Review status: criteria provided, multiple submitters, no conflicts (2 of 4 stars). 2 submissions from 2 submitters: Uncertain significance (2). Last evaluated 2023-05-23.

Conditions:
TTN-related disorder. Also called: TTN-related disorders; TTN-related condition; TTN-related disease.

Allele frequency attached by ClinVar (database versions not stated): gnomAD exomes below 0.00001; ExAC 0.00001; TOPMed 0.00001.
gnomAD v4.1: 5 of 1,613,636 alleles (0.00031%); highest among the groups gnomAD compares: Non-Finnish European, 0.00042%; no homozygotes.

Submissions (2):

PreventionGenetics, part of Exact Sciences
Classification: Uncertain significance for TTN-related condition. Last evaluated: 2023-05-23. Review status: criteria provided, single submitter. Criteria: ACMG Guidelines, 2015. Collection method: clinical testing. Allele origin: germline.
Comment: The TTN c.27446G>C variant is predicted to result in the amino acid substitution p.Gly9149Ala. To our knowledge, this variant has not been reported in the literature. This variant is reported in 0.0065% of alleles in individuals of African descent in gnomAD. At this time, the clinical significance of this variant is uncertain due to the absence of conclusive functional and genetic evidence.

Eurofins Ntd Llc (ga)
Classification: Uncertain significance. Last evaluated: 2015-09-09. Review status: criteria provided, single submitter. Criteria: EGL Classification Definitions 2015. Collection method: clinical testing. Allele origin: germline. Observed: 1 variant allele, 1 heterozygote.

NM_001267550.2(TTN):c.27446G>C (p.Gly9149Ala)

Gene: TTN (titin; minus strand). Cytogenetic location: 2q31.2.
Variant type: single nucleotide variant.
Coding change: c.27446G>C on transcript NM_001267550.2 (MANE Select); coding-DNA position 27446, G replaced by C.
Protein change: p.Gly9149Ala; replaces glycine 9149 with alanine.
Molecular consequence: missense variant. On other transcripts: intron variant (3).
Genome position (GRCh38, 1-based): chr2:178,712,476, C>G on the plus strand (G>C on the coding strand, the complement: TTN is on the minus strand). VCF-style: chr2-178712476-C-G. GRCh37 (hg19) VCF-style: chr2-179577203-C-G.
Other names: c.26495G>C, p.Gly8832Ala (NM_001256850.1); c.23714G>C, p.Gly7905Ala (NM_133378.4); c.13282+25606G>C (NM_003319.4); c.13858+25606G>C (NM_133437.4); c.13657+25606G>C (NM_133432.3); short protein forms G9149A, G7905A, G8832A.
Identifiers: ClinVar variation 283250 (VCV000283250.6), dbSNP rs755633188, ClinGen allele CA1999804.